The following is an entry in ClinVar:

NM_003331.5(TYK2):c.3418T>A (p.Cys1140Ser)

Gene: TYK2 (tyrosine kinase 2; minus strand). Cytogenetic location: 19p13.2.
Variant type: single nucleotide variant.
Coding change: c.3418T>A on transcript NM_003331.5 (MANE Select); coding-DNA position 3418, T replaced by A.
Protein change: p.Cys1140Ser; replaces cysteine 1140 with serine.
Molecular consequence: missense variant. On other transcripts: intron variant (1).
Genome position (GRCh38, 1-based): chr19:10,351,063, A>T on the plus strand (T>A on the coding strand, the complement: TYK2 is on the minus strand). VCF-style: chr19-10351063-A-T. GRCh37 (hg19) VCF-style: chr19-10461739-A-T.
Other names: c.3268T>A, p.Cys1090Ser (NM_001385198.1); c.3232T>A, p.Cys1078Ser (NM_001385199.1); c.3415T>A, p.Cys1139Ser (NM_001385200.1); c.3220T>A, p.Cys1074Ser (NM_001385201.1); c.3334T>A, p.Cys1112Ser (NM_001385202.1); c.3499T>A, p.Cys1167Ser (NM_001385203.1); c.3628T>A, p.Cys1210Ser (NM_001385204.1); c.3328T>A, p.Cys1110Ser (NM_001385205.1); and 3 more; short protein forms C1139S, C1210S, C1078S, C1110S, C1074S, C1090S, C1098S, C1112S.
Identifiers: ClinVar variation 1371501 (VCV001371501.6), dbSNP rs751899914, ClinGen allele CA9192728.

ClinVar aggregate classification (germline): Uncertain significance (1 of 4 stars; one submission).

Conditions:
Immunodeficiency 35 (IMD35). Also called: HIES WITH ATYPICAL MYCOBACTERIOSIS, AUTOSOMAL RECESSIVE; HYPER-IgE SYNDROME WITH ATYPICAL MYCOBACTERIOSIS, AUTOSOMAL RECESSIVE; Susceptibility to infection due to TYK2 deficiency; TYK2 DEFICIENCY. Identifiers: Orphanet 331226, MedGen C1969086, MONDO:0012682, OMIM 611521.

Allele frequency attached by ClinVar (database versions not stated): gnomAD exomes below 0.00001; ExAC 0.00001; gnomAD 0.00001.

Submission:

Labcorp Genetics (formerly Invitae), Labcorp
Classification: Uncertain significance for Immunodeficiency 35. Last evaluated: 2021-04-11. Review status: criteria provided, single submitter. Criteria: Invitae Variant Classification Sherloc (09022015). Collection method: clinical testing. Allele origin: germline.
Comment: This variant has not been reported in the literature in individuals with TYK2-related conditions. In summary, the available evidence is currently insufficient to determine the role of this variant in disease. Therefore, it has been classified as a Variant of Uncertain Significance. Algorithms developed to predict the effect of missense changes on protein structure and function are either unavailable or do not agree on the potential impact of this missense change (SIFT: "Not Available"; PolyPhen-2: "Probably Damaging"; Align-GVGD: "Not Available"). This variant is present in population databases (rs751899914, ExAC 0.001%). This sequence change replaces cysteine with serine at codon 1140 of the TYK2 protein (p.Cys1140Ser). The cysteine residue is highly conserved and there is a moderate physicochemical difference between cysteine and serine.